The following is an entry in ClinVar:

ClinVar aggregate classification (germline): Conflicting classifications of pathogenicity. Review status: criteria provided, conflicting classifications (1 of 4 stars). 4 submissions from 4 submitters: Uncertain significance (3); Likely benign (1). Last evaluated 2025-08-24.

Conditions:
Hereditary breast ovarian cancer syndrome. Also called: BRCA1- and BRCA2-Associated Hereditary Breast and Ovarian Cancer; Hereditary breast and ovarian cancer syndrome; Hereditary breast and ovarian cancer; Hereditary breast and ovarian cancer syndrome (HBOC); Breast and ovarian cancer; Hereditary breast and/or ovarian cancer syndrome. Identifiers: Orphanet 145, MedGen C0677776, MeSH D061325, MONDO:0003582. Disease mechanism: loss of function.
Hereditary cancer-predisposing syndrome. Also called: Hereditary neoplastic syndrome; Hereditary Cancer Syndrome; Neoplastic Syndromes, Hereditary; Tumor predisposition. Identifiers: Orphanet 140162, MedGen C0027672, MeSH D009386, MONDO:0015356.

Submissions (4):

Labcorp Genetics (formerly Invitae), Labcorp
Classification: Uncertain significance for Hereditary breast ovarian cancer syndrome. Last evaluated: 2025-08-24. Review status: criteria provided, single submitter. Criteria: Invitae Variant Classification Sherloc (09022015). Collection method: clinical testing. Allele origin: germline.
Comment: This sequence change replaces serine, which is neutral and polar, with leucine, which is neutral and non-polar, at codon 2414 of the BRCA2 protein (p.Ser2414Leu). Information on the frequency of this variant in the gnomAD database is not available, as this variant may be reported differently in the database. This variant has not been reported in the literature in individuals affected with BRCA2-related conditions. ClinVar contains an entry for this variant (Variation ID: 236899). Based on a multifactorial likelihood algorithm using genetic, in silico, and/or statistical data, this variant has been determined to have a low probability of being pathogenic (PMID: 23108138). In summary, the available evidence is currently insufficient to determine the role of this variant in disease. Therefore, it has been classified as a Variant of Uncertain Significance.

Ambry Genetics
Classification: Uncertain significance for Hereditary cancer-predisposing syndrome. Last evaluated: 2025-04-28. Review status: criteria provided, single submitter. Criteria: Ambry Variant Classification Scheme 2023. Collection method: clinical testing. Allele origin: germline.
Comment: The c.7241_7242delCAinsTG variant (also known as p.S2414L), located in coding exon 13 of the BRCA2 gene, results from an in-frame deletion of CA and insertion of TG at nucleotide positions 7241 to 7242. This results in the substitution of the serine residue for a leucine residue at codon 2414, an amino acid with dissimilar properties. This amino acid position is not well conserved in available vertebrate species. In addition, this alteration is predicted to be neutral by in silico analysis (Choi Y et al. PLoS ONE. 2012; 7(10):e46688). Based on the available evidence, the clinical significance of this variant remains unclear.

Women's Health and Genetics/Laboratory Corporation of America, LabCorp
Classification: Uncertain significance. Last evaluated: 2024-01-15. Review status: criteria provided, single submitter. Criteria: LabCorp Variant Classification Summary - May 2015. Collection method: clinical testing. Allele origin: germline.
Comment: Variant summary: BRCA2 c.7241_7242delinsTG (p.Ser2414Leu) results in a non-conservative amino acid change in the encoded protein sequence. Four of five in-silico tools predict a benign effect of the variant on protein function. The variant was absent in 282602 control chromosomes. The available data on variant occurrences in the general population are insufficient to allow any conclusion about variant significance. To our knowledge, no occurrence of c.7241_7242delinsTG in individuals affected with Hereditary Breast And Ovarian Cancer Syndrome has been reported. At least one publication reports experimental evidence evaluating an impact on protein function shows benign role in an HDR assay (only listed as S2414L, Guidugli_2012). However, the available evidence is currently insufficient to determine the role of this variant in disease. The following publication have been ascertained in the context of this evaluation (PMID: 23108138). ClinVar contains an entry for this variant (Variation ID: 236899). Based on the evidence outlined above, the variant was classified as uncertain significance.

Color Diagnostics, LLC DBA Color Health
Classification: Likely benign for Hereditary cancer-predisposing syndrome. Last evaluated: 2015-08-11. Review status: criteria provided, single submitter. Criteria: ACMG Guidelines, 2015. Collection method: clinical testing. Allele origin: germline.

Literature cited by the submitters: PubMed 23108138 (cited by Labcorp Genetics (formerly Invitae), Labcorp and Ambry Genetics); PubMed 24323938 (cited by Women's Health and Genetics/Laboratory Corporation of America, LabCorp).

NM_000059.4(BRCA2):c.7241_7242delinsTG

Gene: BRCA2 (BRCA2 DNA repair associated; plus strand). Cytogenetic location: 13q13.1.
Variant type: Inversion.
Coding change: c.7241_7242delinsTG on transcript NM_000059.4 (MANE Select); coding-DNA positions 7241 to 7242, CA replaced by TG.
Genome position (GRCh38, 1-based): chr13:32,355,094-32,355,095, CA replaced by TG. VCF-style: chr13-32355094-CA-TG. GRCh37 (hg19) VCF-style: chr13-32929231-CA-TG.
Other names: c.7241_7242inv, p.Ser2414Leu (LRG_293t1).
Identifiers: ClinVar variation 236899 (VCV000236899.13), ClinGen allele CA10583126.